The following is an entry in ClinVar:

NM_198129.4(LAMA3):c.8863-1G>A

Gene: LAMA3 (laminin subunit alpha 3; plus strand). Cytogenetic location: 18q11.2.
Variant type: single nucleotide variant.
Coding change: c.8863-1G>A on transcript NM_198129.4 (MANE Select); the canonical splice acceptor site of the intron before coding-DNA position 8863, G replaced by A.
Molecular consequence: splice acceptor variant.
Genome position (GRCh38, 1-based): chr18:23,939,222, G>A. VCF-style: chr18-23939222-G-A. GRCh37 (hg19) VCF-style: chr18-21519186-G-A.
Other names: c.8695-1G>A (NM_001127717.4); c.4036-1G>A (NM_000227.6); c.3868-1G>A (NM_001127718.4).
Identifiers: ClinVar variation 2881611 (VCV002881611.3), dbSNP rs2082406987, ClinGen allele CA402047874.

ClinVar aggregate classification (germline): Likely pathogenic (1 of 4 stars; one submission).

Allele frequency attached by ClinVar (database versions not stated): gnomAD exomes below 0.00001.
gnomAD v4.1: 2 of 1,613,874 alleles (0.00012%); highest among the groups gnomAD compares: Non-Finnish European, 0.000085%; no homozygotes.

Submission:

Labcorp Genetics (formerly Invitae), Labcorp
Classification: Likely pathogenic. Last evaluated: 2023-03-17. Review status: criteria provided, single submitter. Criteria: Invitae Variant Classification Sherloc (09022015). Collection method: clinical testing. Allele origin: germline.
Comment: In summary, the currently available evidence indicates that the variant is pathogenic, but additional data are needed to prove that conclusively. Therefore, this variant has been classified as Likely Pathogenic. This sequence change affects an acceptor splice site in intron 30 of the LAMA3 gene. It is expected to disrupt RNA splicing. Variants that disrupt the donor or acceptor splice site typically lead to a loss of protein function (PMID: 16199547), and loss-of-function variants in LAMA3 are known to be pathogenic (PMID: 10366601, 11810295, 12915477, 16473856, 17362460, 22434185, 23869449, 27827380, 28087116). This variant is not present in population databases (gnomAD no frequency). This variant has not been reported in the literature in individuals affected with LAMA3-related conditions. Algorithms developed to predict the effect of sequence changes on RNA splicing suggest that this variant may disrupt the consensus splice site.

Literature cited by the submitters: PubMed 16199547; PubMed 10366601; PubMed 11810295; PubMed 12915477; PubMed 16473856; PubMed 17362460; PubMed 22434185; PubMed 23869449; PubMed 27827380; PubMed 28087116.